The following is an entry in ClinVar:

ClinVar aggregate classification (germline): Benign/Likely benign. Review status: criteria provided, multiple submitters, no conflicts (2 of 4 stars). 6 submissions from 6 submitters: Benign (1); Likely benign (5). Last evaluated 2025-10-11.

Conditions:
Lynch syndrome. Identifiers: Orphanet 144, MedGen C4552100, MONDO:0005835. Disease mechanism: loss of function.
Hereditary nonpolyposis colorectal neoplasms. Identifiers: MedGen C0009405, MeSH D003123.
Hereditary cancer-predisposing syndrome. Also called: Neoplastic Syndromes, Hereditary; Tumor predisposition; Hereditary Cancer Syndrome; Hereditary neoplastic syndrome. Identifiers: Orphanet 140162, MedGen C0027672, MeSH D009386, MONDO:0015356.
Lynch syndrome 4 (LYNCH4). Also called: Colorectal cancer, hereditary nonpolyposis, type 4; Hereditary non-polyposis colorectal cancer, type 4. Identifiers: Orphanet 144, MedGen C1838333, MONDO:0013699, OMIM 614337. Disease mechanism: loss of function.

Allele frequency attached by ClinVar (database versions not stated): ExAC 0.00002; gnomAD exomes 0.00002 and 0.00001; gnomAD 0.00001.
gnomAD v4.1: 15 of 1,597,936 alleles (0.00094%); highest among the groups gnomAD compares: Middle Eastern, 0.039%; no homozygotes.

Submissions (6):

Labcorp Genetics (formerly Invitae), Labcorp
Classification: Likely benign for Hereditary nonpolyposis colorectal neoplasms. Last evaluated: 2025-10-11. Review status: criteria provided, single submitter. Criteria: Invitae Variant Classification Sherloc (09022015). Collection method: clinical testing. Allele origin: germline.

Myriad Genetics, Inc.
Classification: Benign for Lynch syndrome 4. Last evaluated: 2025-02-03. Review status: criteria provided, single submitter. Criteria: Myriad Autosomal Dominant, Autosomal Recessive and X-Linked Classification Criteria (2023). Collection method: clinical testing. Allele origin: unknown.
Comment: This variant is considered benign. This variant is a silent/synonymous amino acid change and it is not expected to impact splicing.

Women's Health and Genetics/Laboratory Corporation of America, LabCorp
Classification: Likely benign. Last evaluated: 2024-09-28. Review status: criteria provided, single submitter. Criteria: LabCorp Variant Classification Summary - May 2015. Collection method: clinical testing. Allele origin: germline.

All of Us Research Program, National Institutes of Health
Classification: Likely benign for Lynch syndrome. Last evaluated: 2024-08-06. Review status: criteria provided, single submitter. Criteria: ACMG Guidelines, 2015. Collection method: clinical testing. Allele origin: germline. Inheritance: Autosomal dominant inheritance. Observed: 1 variant allele, 1 heterozygote.
Comment: This study involves interpretation of variants in research participants for the purpose of population health screening. Participant phenotype was not available at the time of variant classification. Additional details can be found in publication PMID: 35346344, PMCID: PMC8962531

Color Diagnostics, LLC DBA Color Health
Classification: Likely benign for Hereditary cancer-predisposing syndrome. Last evaluated: 2019-11-21. Review status: criteria provided, single submitter. Criteria: ACMG Guidelines, 2015. Collection method: clinical testing. Allele origin: germline.

Ambry Genetics
Classification: Likely benign for Hereditary cancer-predisposing syndrome. Last evaluated: 2014-10-26. Review status: criteria provided, single submitter. Criteria: Ambry Variant Classification Scheme 2023. Collection method: clinical testing. Allele origin: germline.

NM_000535.7(PMS2):c.1995A>G (p.Arg665=)

Gene: PMS2 (PMS1 homolog 2, mismatch repair system component; minus strand). Cytogenetic location: 7p22.1.
Variant type: single nucleotide variant.
Coding change: c.1995A>G on transcript NM_000535.7 (MANE Select); coding-DNA position 1995, A replaced by G.
Protein change: p.Arg665=; no amino-acid change (arginine 665 retained).
Molecular consequence: synonymous variant. On other transcripts: non-coding transcript variant (1).
Genome position (GRCh38, 1-based): chr7:5,986,770, T>C on the plus strand (A>G on the coding strand, the complement: PMS2 is on the minus strand). VCF-style: chr7-5986770-T-C. GRCh37 (hg19) VCF-style: chr7-6026401-T-C.
Other names: c.1590A>G, p.Arg530= (NM_001322003.2, NM_001322004.2, NM_001322005.2 and 1 more transcripts); c.1839A>G, p.Arg613= (NM_001322006.2); c.1677A>G, p.Arg559= (NM_001322007.2, NM_001322008.2); c.1434A>G, p.Arg478= (NM_001322010.2); c.1062A>G, p.Arg354= (NM_001322011.2, NM_001322012.2); c.1422A>G, p.Arg474= (NM_001322013.2); c.1995A>G, p.Arg665= (NM_001322014.2); c.1686A>G, p.Arg562= (NM_001322015.2).
Identifiers: ClinVar variation 186882 (VCV000186882.20), dbSNP rs781780543, ClinGen allele CA010613.